The following is an entry in ClinVar:

NM_001365276.2(TNXB):c.11530+19C>T

Genes: TNXB (tenascin XB; minus strand), LOC106780803 (tenascin XB recombination region; plus strand). Cytogenetic location: 6p21.33.
Variant type: single nucleotide variant.
Coding change: c.11530+19C>T on transcript NM_001365276.2 (MANE Select); 19 bases into the intron after coding-DNA position 11530, C replaced by T.
Molecular consequence: intron variant.
Genome position (GRCh38, 1-based): chr6:32,043,730, G>A on the plus strand (C>T on the coding strand, the complement: TNXB is on the minus strand). VCF-style: chr6-32043730-G-A. GRCh37 (hg19) VCF-style: chr6-32011507-G-A.
Other names: c.11524+19C>T (NM_019105.8); c.12271+19C>T (NM_001428335.1); c.817+19C>T (NM_032470.4).
Identifiers: ClinVar variation 4805922 (VCV004805922.3).
Genomic context (GRCh38, chr6:32,043,730, plus strand): 5'-CCTCCTCGTTCTCTCTCAACTCCCACCCATGCCGTTTTCTTGGCTCCCACCTCTTGCCCC[G>A]GGTCCCAGTCCATCTCACCCGTGGTGAGGAAGCCTGTGAGAGGCTCACTCTCCTCAAAGC-3'

ClinVar aggregate classification (germline): Likely benign. Review status: criteria provided, multiple submitters, no conflicts (2 of 4 stars). 3 submissions from 3 submitters: Likely benign (3). Last evaluated 2026-03-31.

gnomAD v4.1: 136 of 1,613,308 alleles (0.0084%); highest among the groups gnomAD compares: Non-Finnish European, 0.0095%; no homozygotes.

Submissions (3):

Women's Health and Genetics/Laboratory Corporation of America, LabCorp
Classification: Likely benign. Last evaluated: 2026-03-31. Review status: criteria provided, single submitter. Criteria: LabCorp Variant Classification Summary - May 2015. Collection method: clinical testing. Allele origin: germline.
Comment: Variant summary: TNXB c.11524+19C>T alters a nucleotide located at a position not widely known to affect splicing. Consensus agreement among computation tools predict no significant impact on normal splicing. However, these predictions have yet to be confirmed by functional studies. The variant allele was found at a frequency of 6.8e-05 in 250210 control chromosomes. This frequency is not significantly higher than estimated for disease-causing variants in TNXB, allowing no conclusion about variant significance. To our knowledge, no occurrence of c.11524+19C>T in individuals affected with TNXB-related conditions and no experimental evidence demonstrating its impact on protein function have been reported. ClinVar contains an entry for this variant (Variation ID: 4805922). Based on the evidence outlined above, the variant was classified as likely benign.

Labcorp Genetics (formerly Invitae), Labcorp
Classification: Likely benign. Last evaluated: 2026-01-11. Review status: criteria provided, single submitter. Criteria: Invitae Variant Classification Sherloc (09022015). Collection method: clinical testing. Allele origin: germline.

Blueprint Genetics
Classification: Likely benign. Last evaluated: 2023-07-11. Review status: criteria provided, single submitter. Criteria: ACMG Guidelines, 2015. Collection method: clinical testing. Allele origin: germline.